The following is an entry in ClinVar:

ClinVar aggregate classification (germline): Uncertain significance. Review status: criteria provided, multiple submitters, no conflicts (2 of 4 stars). 2 submissions from 2 submitters: Uncertain significance (2). Last evaluated 2024-09-26.

Submissions (2):

Ambry Genetics
Classification: Uncertain significance. Last evaluated: 2024-09-26. Review status: criteria provided, single submitter. Criteria: Ambry Variant Classification Scheme 2023. Collection method: clinical testing. Allele origin: germline.

Labcorp Genetics (formerly Invitae), Labcorp
Classification: Uncertain significance. Last evaluated: 2024-04-12. Review status: criteria provided, single submitter. Criteria: Invitae Variant Classification Sherloc (09022015). Collection method: clinical testing. Allele origin: germline.
Comment: This sequence change replaces serine, which is neutral and polar, with glycine, which is neutral and non-polar, at codon 253 of the SIX2 protein (p.Ser253Gly). This variant is not present in population databases (gnomAD no frequency). This variant has not been reported in the literature in individuals affected with SIX2-related conditions. An algorithm developed to predict the effect of missense changes on protein structure and function (PolyPhen-2) suggests that this variant is likely to be tolerated. In summary, the available evidence is currently insufficient to determine the role of this variant in disease. Therefore, it has been classified as a Variant of Uncertain Significance.

NM_016932.5(SIX2):c.757A>G (p.Ser253Gly)

Gene: SIX2 (SIX homeobox 2; minus strand). Cytogenetic location: 2p21.
Variant type: single nucleotide variant.
Coding change: c.757A>G on transcript NM_016932.5 (MANE Select); coding-DNA position 757, A replaced by G.
Protein change: p.Ser253Gly; replaces serine 253 with glycine.
Molecular consequence: missense variant.
Genome position (GRCh38, 1-based): chr2:45,006,289, T>C on the plus strand (A>G on the coding strand, the complement: SIX2 is on the minus strand). VCF-style: chr2-45006289-T-C. GRCh37 (hg19) VCF-style: chr2-45233428-T-C.
Other names: short protein forms S253G.
Identifiers: ClinVar variation 3442215 (VCV003442215.3).